The following is an entry in ClinVar:

ClinVar aggregate classification (germline): Uncertain significance. Review status: criteria provided, multiple submitters, no conflicts (2 of 4 stars). 2 submissions from 2 submitters: Uncertain significance (2). Last evaluated 2022-07-01.

Allele frequency attached by ClinVar (database versions not stated): gnomAD exomes below 0.00001; gnomAD 0.00001; TOPMed 0.00003.
gnomAD v4.1: 6 of 1,613,716 alleles (0.00037%); highest among the groups gnomAD compares: Non-Finnish European, 0.00042%; no homozygotes.

Submissions (2):

Labcorp Genetics (formerly Invitae), Labcorp
Classification: Uncertain significance. Last evaluated: 2022-07-01. Review status: criteria provided, single submitter. Criteria: Invitae Variant Classification Sherloc (09022015). Collection method: clinical testing. Allele origin: germline.
Comment: Algorithms developed to predict the effect of missense changes on protein structure and function output the following: SIFT: "Tolerated"; PolyPhen-2: "Benign"; Align-GVGD: "Class C0". The arginine amino acid residue is found in multiple mammalian species, which suggests that this missense change does not adversely affect protein function. In summary, the available evidence is currently insufficient to determine the role of this variant in disease. Therefore, it has been classified as a Variant of Uncertain Significance. ClinVar contains an entry for this variant (Variation ID: 872697). This variant has not been reported in the literature in individuals affected with DNAJC12-related conditions. This variant is not present in population databases (gnomAD no frequency). This sequence change replaces glutamine, which is neutral and polar, with arginine, which is basic and polar, at codon 132 of the DNAJC12 protein (p.Gln132Arg).

CeGaT Center for Human Genetics Tuebingen
Classification: Uncertain significance. Last evaluated: 2019-07-01. Review status: criteria provided, single submitter. Criteria: CeGaT Center For Human Genetics Tuebingen Variant Classification Criteria Version 2. Collection method: clinical testing. Allele origin: germline. Affected: yes. Observed: 1 variant allele.

NM_021800.3(DNAJC12):c.395A>G (p.Gln132Arg)

Gene: DNAJC12 (DnaJ heat shock protein family (Hsp40) member C12; minus strand). Cytogenetic location: 10q21.3.
Variant type: single nucleotide variant.
Coding change: c.395A>G on transcript NM_021800.3 (MANE Select); coding-DNA position 395, A replaced by G.
Protein change: p.Gln132Arg; replaces glutamine 132 with arginine.
Molecular consequence: missense variant.
Genome position (GRCh38, 1-based): chr10:67,805,690, T>C on the plus strand (A>G on the coding strand, the complement: DNAJC12 is on the minus strand). VCF-style: chr10-67805690-T-C. GRCh37 (hg19) VCF-style: chr10-69565448-T-C.
Other names: short protein forms Q132R.
Identifiers: ClinVar variation 872697 (VCV000872697.45), dbSNP rs1470281152, ClinGen allele CA377103161.